The following is an entry in ClinVar:

ClinVar aggregate classification (germline): Uncertain significance (1 of 4 stars; one submission).

Submission:

GeneDx
Classification: Uncertain significance. Last evaluated: 2024-12-12. Review status: criteria provided, single submitter. Criteria: GeneDx Variant Classification Process June 2021. Collection method: clinical testing. Allele origin: germline. Affected: yes.
Comment: Not observed at significant frequency in large population cohorts (gnomAD); In silico analysis supports that this missense variant has a deleterious effect on protein structure/function; Has not been previously published as pathogenic or benign to our knowledge

NM_002655.3(PLAG1):c.559T>C (p.Cys187Arg)

Genes: PLAG1 (PLAG1 zinc finger; minus strand), LOC126860395 (BRD4-independent group 4 enhancer GRCh37_chr8:57079228-57080427; plus strand). Cytogenetic location: 8q12.1.
Variant type: single nucleotide variant.
Coding change: c.559T>C on transcript NM_002655.3 (MANE Select); coding-DNA position 559, T replaced by C.
Protein change: p.Cys187Arg; replaces cysteine 187 with arginine.
Molecular consequence: missense variant.
Genome position (GRCh38, 1-based): chr8:56,167,187, A>G on the plus strand (T>C on the coding strand, the complement: PLAG1 is on the minus strand). VCF-style: chr8-56167187-A-G. GRCh37 (hg19) VCF-style: chr8-57079746-A-G.
Other names: c.559T>C, p.Cys187Arg (NM_001114634.2); c.313T>C, p.Cys105Arg (NM_001114635.2); short protein forms C105R, C187R.
Identifiers: ClinVar variation 3903064 (VCV003903064.1).
Genomic context (GRCh38, chr8:56,167,187, plus strand): 5'-GCACCACCATGTGTCTCCGGACATCCTTTCGGGTGTAGAACCGGCGATCACAATGTTCGC[A>G]CTGGTGCTTTTTTTCTTTAACCCCACCAGACGACTTGCCTGCATGAGATTTAAGGTGCTC-3'
Protein context (NP_002646.2, residues 177-197): SGGVKEKKHQ[Cys187Arg]EHCDRRFYTR